The following is an entry in ClinVar:

ClinVar aggregate classification (germline): Pathogenic (1 of 4 stars; one submission).

Conditions:
Inborn genetic diseases. Identifiers: MedGen C0950123, MeSH D030342.

Submission:

Ambry Genetics
Classification: Pathogenic for Inborn genetic diseases. Last evaluated: 2025-10-03. Review status: criteria provided, single submitter. Criteria: Ambry Variant Classification Scheme 2023. Collection method: clinical testing. Allele origin: germline.
Comment: The c.1519delG (p.V507Cfs*34) alteration, located in exon 11 (coding exon 11) of the CUL3 gene, consists of a deletion of one nucleotide at position 1519, causing a translational frameshift with a predicted alternate stop codon after 34 amino acids. This alteration is expected to result in loss of function by premature protein truncation or nonsense-mediated mRNA decay. for CUL3-related neurodevelopmental disorder; however, its clinical significance for CUL3-related pseudohypoaldosteronism type II is uncertain. This variant was not reported in population-based cohorts in the Genome Aggregation Database (gnomAD). Based on the available evidence, this alteration is classified as pathogenic.

NM_003590.5(CUL3):c.1519del (p.Val507fs)

Gene: CUL3 (cullin 3; minus strand). Cytogenetic location: 2q36.2.
Variant type: Deletion.
Coding change: c.1519del on transcript NM_003590.5 (MANE Select); coding-DNA position 1519, one base deleted (G; older notation c.1519delG).
Protein change: p.Val507fs; shifts the reading frame from valine 507.
Molecular consequence: frameshift variant.
Genome position (GRCh38, 1-based): chr2:224,500,454, C deleted on the plus strand (G on the coding strand, the reverse complement: CUL3 is on the minus strand); the first of 3 consecutive C bases (chr2:224,500,454-224,500,456); deleting any one gives the same sequence. VCF-style (leftmost placement, unchanged base first): chr2-224500453-AC-A. GRCh37 (hg19) VCF-style: chr2-225365170-AC-A.
Other names: c.1321del, p.Val441fs (NM_001257197.2); c.1537del, p.Val513fs (NM_001257198.2); short protein forms V441fs, V507fs, V513fs.
Identifiers: ClinVar variation 4616771 (VCV004616771.1).